The following is an entry in ClinVar:

NM_001278512.2(AP3B2):c.589-6C>T

Genes: AP3B2 (adaptor related protein complex 3 subunit beta 2; minus strand), CPEB1-AS1 (CPEB1 antisense RNA 1; plus strand). Cytogenetic location: 15q25.2.
Variant type: single nucleotide variant.
Coding change: c.589-6C>T on transcript NM_001278512.2 (MANE Select); 6 bases into the intron before coding-DNA position 589, C replaced by T.
Molecular consequence: intron variant.
Genome position (GRCh38, 1-based): chr15:82,681,025, G>A on the plus strand (C>T on the coding strand, the complement: AP3B2 is on the minus strand). VCF-style: chr15-82681025-G-A. GRCh37 (hg19) VCF-style: chr15-83349777-G-A.
Other names: c.493-6C>T (NM_001278511.2); c.589-6C>T (NM_004644.5).
Identifiers: ClinVar variation 784329 (VCV000784329.14), dbSNP rs73443032, ClinGen allele CA7700438.
Genomic context (GRCh38, chr15:82,681,025, plus strand): 5'-CGATGCGCTCCGGGCAGACCTCCTCAAAGGCCATCACCACACTGCCCGCCACCAGCTGGG[G>A]AAAGAACAAAGACGAGAGGGTGAACGCGAAGGGTGGAAGGCCGGCTGCCGGTCACCACCC-3'

ClinVar aggregate classification (germline): Benign. Review status: criteria provided, multiple submitters, no conflicts (2 of 4 stars). 3 submissions from 3 submitters: Benign (2). 1 of the submissions does not count toward it. Last evaluated 2026-02-03.

Conditions:
AP3B2-related disorder. Also called: AP3B2-related condition.

Allele frequency attached by ClinVar (database versions not stated): gnomAD exomes 0.00123 and 0.00297; ExAC 0.00337; ESP Exome Variant Server 0.01060; gnomAD 0.01196 and 0.01278; TOPMed 0.01308; 1000 Genomes Project 30x 0.01374; 1000 Genomes Project 0.01478.
gnomAD v4.1: 3,689 of 1,613,690 alleles (0.23%); highest among the groups gnomAD compares: African/African-American, 4.4%; 83 homozygotes.

Submissions (3):

Labcorp Genetics (formerly Invitae), Labcorp
Classification: Benign. Last evaluated: 2026-02-03. Review status: criteria provided, single submitter. Criteria: Invitae Variant Classification Sherloc (09022015). Collection method: clinical testing. Allele origin: germline.

Breakthrough Genomics
Classification: Benign. Review status: criteria provided, single submitter. Criteria: ACMG Guidelines, 2015. Collection method: not provided. Allele origin: germline. Inheritance: Autosomal recessive inheritance. Affected: yes.

PreventionGenetics, part of Exact Sciences
Classification: Benign for AP3B2-related condition. Last evaluated: 2019-08-12. Review status: no assertion criteria provided. Collection method: clinical testing. Allele origin: germline. Not counted in ClinVar's aggregate classification.
Comment: This variant is classified as benign based on ACMG/AMP sequence variant interpretation guidelines (Richards et al. 2015 PMID: 25741868, with internal and published modifications).